The following is an entry in ClinVar:

ClinVar aggregate classification (germline): Pathogenic/Likely pathogenic. Review status: criteria provided, multiple submitters, no conflicts (2 of 4 stars). 3 submissions from 3 submitters: Pathogenic (2); Likely pathogenic (1). Last evaluated 2026-07-01.

Conditions:
Glycogen storage disease, type II (IOPD). Also called: CARDIOMEGALIA GLYCOGENICA DIFFUSA; GLYCOGENOSIS, GENERALIZED, CARDIAC FORM; GSD II; POMPE DISEASE, INFANTILE-ONSET; GLYCOGEN STORAGE DISEASE II, INFANTILE-ONSET; ACID ALPHA-GLUCOSIDASE DEFICIENCY, INFANTILE-ONSET. Identifiers: Orphanet 365, MedGen C0017921, MONDO:0009290, OMIM 232300.

gnomAD v4.1: 1 of 1,612,546 alleles (0.000062%); highest among the groups gnomAD compares: South Asian, 0.0011%; no homozygotes.

Submissions (3):

Genomenon, Inc
Classification: Likely pathogenic for Glycogen storage disease, type II. Last evaluated: 2026-07-01. Review status: criteria provided, single submitter. Criteria: Genomenon Sequence Variant Interpretation Standards - Updated. Collection method: curation. Allele origin: germline. Affected: yes.
Comment: GAA p.Cys103Trp (c.309C>G) is a missense variant that changes the amino acid at codon 103 from Cysteine to Tryptophan. This variant has been observed in at least one proband with a GAA-related disorder in the compound heterozygous and/or homozygous state (PMID:27142047). At least one functional study has demonstrated a substantial alteration in protein function relative to the wild-type (PMID:33560568). It is absent or not present at a significant frequency in gnomAD. In silico models predict that this variant is possibly or probably damaging. In conclusion, we classify GAA p.Cys103Trp (c.309C>G) as a likely pathogenic variant.

Women's Health and Genetics/Laboratory Corporation of America, LabCorp
Classification: Pathogenic for Glycogen storage disease, type II. Last evaluated: 2025-01-24. Review status: criteria provided, single submitter. Criteria: LabCorp Variant Classification Summary - May 2015. Collection method: clinical testing. Allele origin: germline.
Comment: Variant summary: GAA c.309C>G (p.Cys103Trp) results in a non-conservative amino acid change located in the P or trefoil or TFF domain (IPR000519) of the encoded protein sequence. Five of five in-silico tools predict a damaging effect of the variant on protein function. The variant allele was found at a frequency of 4e-06 in 247572 control chromosomes. c.309C>G has been reported in the literature in a compound heterozygous individual affected with Glycogen Storage Disease, Type 2 (Pompe Disease) (Mori_2016). A different variant affecting the same codon has been classified as pathogenic by our lab (c.307T>G, p.Cys103Gly), supporting the critical relevance of codon 103 to GAA protein function. At least one publication reports experimental evidence evaluating an impact on protein function (de Faria_2021). The most pronounced variant effect results in 2-3% of normal activity in an in vitro cellular assay. The following publications have been ascertained in the context of this evaluation (PMID: 27142047, 33560568). ClinVar contains an entry for this variant (Variation ID: 1400946). Based on the evidence outlined above, the variant was classified as pathogenic.

Labcorp Genetics (formerly Invitae), Labcorp
Classification: Pathogenic for Glycogen storage disease, type II. Last evaluated: 2023-05-29. Review status: criteria provided, single submitter. Criteria: Invitae Variant Classification Sherloc (09022015). Collection method: clinical testing. Allele origin: germline.
Comment: For these reasons, this variant has been classified as Pathogenic. This variant disrupts the p.Cys103 amino acid residue in GAA. Other variant(s) that disrupt this residue have been determined to be pathogenic (PMID: 14695532, 18429042, 18607768, 21109266, 24158270, 29181627). This suggests that this residue is clinically significant, and that variants that disrupt this residue are likely to be disease-causing. Advanced modeling of protein sequence and biophysical properties (such as structural, functional, and spatial information, amino acid conservation, physicochemical variation, residue mobility, and thermodynamic stability) performed at Invitae indicates that this missense variant is expected to disrupt GAA protein function. ClinVar contains an entry for this variant (Variation ID: 1400946). This missense change has been observed in individual(s) with Pompe disease (PMID: 27142047). In at least one individual the data is consistent with being in trans (on the opposite chromosome) from a pathogenic variant. This variant is present in population databases (no rsID available, gnomAD 0.003%). This sequence change replaces cysteine, which is neutral and slightly polar, with tryptophan, which is neutral and slightly polar, at codon 103 of the GAA protein (p.Cys103Trp).

Literature cited by the submitters: PubMed 27142047 (cited by 3 submitters); PubMed 33560568 (cited by Genomenon, Inc and Women's Health and Genetics/Laboratory Corporation of America, LabCorp); PubMed 14695532 (cited by Labcorp Genetics (formerly Invitae), Labcorp); PubMed 18429042 (cited by Labcorp Genetics (formerly Invitae), Labcorp); PubMed 18607768 (cited by Labcorp Genetics (formerly Invitae), Labcorp); PubMed 21109266 (cited by Labcorp Genetics (formerly Invitae), Labcorp); PubMed 24158270 (cited by Labcorp Genetics (formerly Invitae), Labcorp); PubMed 29181627 (cited by Labcorp Genetics (formerly Invitae), Labcorp).

NM_000152.5(GAA):c.309C>G (p.Cys103Trp)

Gene: GAA (alpha glucosidase; plus strand). Cytogenetic location: 17q25.3.
Variant type: single nucleotide variant.
Coding change: c.309C>G on transcript NM_000152.5 (MANE Select); coding-DNA position 309, C replaced by G.
Protein change: p.Cys103Trp; replaces cysteine 103 with tryptophan.
Molecular consequence: missense variant.
Genome position (GRCh38, 1-based): chr17:80,104,895, C>G. VCF-style: chr17-80104895-C-G. GRCh37 (hg19) VCF-style: chr17-78078694-C-G.
Other names: c.309C>G, p.Cys103Trp (NM_001079803.3, NM_001079804.3); short protein forms C103W.
Identifiers: ClinVar variation 1400946 (VCV001400946.9), dbSNP rs373307393, ClinGen allele CA401360696.